The following is an entry in ClinVar:

ClinVar aggregate classification (germline): Benign. Review status: criteria provided, multiple submitters, no conflicts (2 of 4 stars). 2 submissions from 2 submitters: Benign (2). Last evaluated 2018-06-14.

Allele frequency attached by ClinVar (database versions not stated): gnomAD 0.29808 and 0.30686; TOPMed 0.30486; gnomAD exomes 0.35094; 1000 Genomes Project 30x 0.36821; 1000 Genomes Project 0.37580.
gnomAD v4.1: 319,237 of 928,246 alleles (34%); highest among the groups gnomAD compares: East Asian, 62%; 58,474 homozygotes.

Submissions (2):

GeneDx
Classification: Benign. Last evaluated: 2018-06-14. Review status: criteria provided, single submitter. Criteria: GeneDx Variant Classification (06012015). Collection method: clinical testing. Allele origin: germline. Affected: yes.
Comment: This variant is considered likely benign or benign based on one or more of the following criteria: it is a conservative change, it occurs at a poorly conserved position in the protein, it is predicted to be benign by multiple in silico algorithms, and/or has population frequency not consistent with disease.

Breakthrough Genomics
Classification: Benign. Review status: criteria provided, single submitter. Criteria: ACMG Guidelines, 2015. Collection method: not provided. Allele origin: germline. Inheritance: Autosomal recessive inheritance. Affected: yes.

NM_001848.3(COL6A1):c.1335+116C>T

Gene: COL6A1 (collagen type VI alpha 1 chain; plus strand). Cytogenetic location: 21q22.3.
Variant type: single nucleotide variant.
Coding change: c.1335+116C>T on transcript NM_001848.3 (MANE Select); 116 bases into the intron after coding-DNA position 1335, C replaced by T.
Molecular consequence: intron variant.
Genome position (GRCh38, 1-based): chr21:45,992,926, C>T. VCF-style: chr21-45992926-C-T. GRCh37 (hg19) VCF-style: chr21-47412840-C-T.
Identifiers: ClinVar variation 679937 (VCV000679937.2), dbSNP rs2075893, ClinGen allele CA14875386.
Genomic context (GRCh38, chr21:45,992,926, plus strand): 5'-GGGGCTGGGTCAGGCCTCCAGAGCCACAGGACACATCATGAAGCCCCTGTGGCCCCTCAA[C>T]GTGGCCAGCCCATCCCCACGCCGTCAGGGAGGGCAGCCCCTGAAGCCGGCGCCCAGCCAT-3'